The following is an entry in ClinVar:

ClinVar aggregate classification (germline): Uncertain significance (1 of 4 stars; one submission).

Submission:

Labcorp Genetics (formerly Invitae), Labcorp
Classification: Uncertain significance. Last evaluated: 2023-07-21. Review status: criteria provided, single submitter. Criteria: Invitae Variant Classification Sherloc (09022015). Collection method: clinical testing. Allele origin: germline.
Comment: In summary, the available evidence is currently insufficient to determine the role of this variant in disease. Therefore, it has been classified as a Variant of Uncertain Significance. Experimental studies and prediction algorithms are not available or were not evaluated, and the functional significance of this variant is currently unknown. ClinVar contains an entry for this variant (Variation ID: 2038443). This variant has not been reported in the literature in individuals affected with AP3B2-related conditions. This variant is not present in population databases (gnomAD no frequency). This sequence change affects the initiator methionine of the AP3B2 mRNA. The next in-frame methionine is located at codon 45.

NM_001278512.2(AP3B2):c.1A>G (p.Met1Val)

Gene: AP3B2 (adaptor related protein complex 3 subunit beta 2; minus strand). Cytogenetic location: 15q25.2.
Variant type: single nucleotide variant.
Coding change: c.1A>G on transcript NM_001278512.2 (MANE Select); coding-DNA position 1, A replaced by G.
Protein change: p.Met1Val; changes the start codon (methionine 1).
Molecular consequence: missense variant, initiator codon variant.
Genome position (GRCh38, 1-based): chr15:82,709,706, T>C on the plus strand (A>G on the coding strand, the complement: AP3B2 is on the minus strand). VCF-style: chr15-82709706-T-C. GRCh37 (hg19) VCF-style: chr15-83378458-T-C.
Other names: c.1A>G, p.Met1Val (NM_001278511.2, NM_001348440.2, NM_004644.5); short protein forms M1V.
Identifiers: ClinVar variation 2038443 (VCV002038443.5), dbSNP rs2548730050, ClinGen allele CA393307986.